The following is an entry in ClinVar:

ClinVar aggregate classification (germline): Likely pathogenic. Review status: reviewed by expert panel (3 of 4 stars). 9 submissions from 9 submitters: Likely pathogenic (1). 8 of the submissions do not count toward it. Last evaluated 2025-04-11.

Conditions:
Very long chain acyl-CoA dehydrogenase deficiency (ACADVLD). Also called: VLCAD Deficiency; Very Long-Chain Acyl-Coenzyme A Dehydrogenase Deficiency. Identifiers: Orphanet 26793, MedGen C3887523, MONDO:0008723, OMIM 201475.
ACADVL-related disorder. Also called: ACADVL-related condition.

Submissions (9):

ClinGen ACADVL Variant Curation Expert Panel, ClinGen
Classification: Likely pathogenic for Very long chain acyl-CoA dehydrogenase deficiency. Last evaluated: 2025-04-11. Review status: reviewed by expert panel. Criteria: clingen acadvl acmg specifications v1. Collection method: curation. Allele origin: germline. Inheritance: Autosomal recessive inheritance.
Comment: The NM_000018.4:c.105_109dup (p.Arg37LeufsTer26) variant in ACADVL is a frameshift variant predicted to cause a premature stop codon in biologically-relevant-exon 2/20 leading to nonsense mediated decay in a gene in which loss-of-function is an established disease mechanism (PVS1). This variant is absent from GnomAD v2.1.1 (PM2_Supporting). At least one individual with this variant was identified by newborn screen, but this information is insufficient to use toward classification (PMID: 26385305). In summary, this variant meets the criteria to be classified as Likely pathogenic for autosomal recessive very long chain acyl-CoA dehydrogenase (VLCAD) deficiency based on the ACMG/AMP criteria applied, as specified by the ClinGen ACADVL Variant Curation Expert Panel: PVS1, PM2_supporting (ACADVL VCEP specifications version 1; approved November 9, 2021).

Labcorp Genetics (formerly Invitae), Labcorp
Classification: Pathogenic for Very long chain acyl-CoA dehydrogenase deficiency. Last evaluated: 2025-12-26. Review status: criteria provided, single submitter. Criteria: Invitae Variant Classification Sherloc (09022015). Collection method: clinical testing. Allele origin: germline. Not counted in ClinVar's aggregate classification.
Comment: This sequence change creates a premature translational stop signal (p.Arg37Leufs*26) in the ACADVL gene. It is expected to result in an absent or disrupted protein product. Loss-of-function variants in ACADVL are known to be pathogenic (PMID: 9973285, 11590124). This variant is not present in population databases (gnomAD no frequency). This premature translational stop signal has been observed in individual(s) with a positive newborn screening result for ACADVL-related disease (PMID: 26385305). ClinVar contains an entry for this variant (Variation ID: 550622). For these reasons, this variant has been classified as Pathogenic.

Natera, Inc.
Classification: Likely pathogenic for Very long chain acyl-CoA dehydrogenase deficiency. Last evaluated: 2025-03-31. Review status: criteria provided, single submitter. Criteria: Natera Variant Classification Schema (03/2026). Collection method: clinical testing. Allele origin: germline. Not counted in ClinVar's aggregate classification.
Comment: The c.105_109dupTGCCC variant in ACADVL is a frameshift variant predicted to shift the reading frame beginning at codon 37 and leads to a stop codon 26 codons downstream. This variant is expected to result in nonsense mediated decay, truncation, or a dysfunctional protein product. This variant is rare in the general population with a frequency below the threshold expected for the associated phenotype(s). Given the available evidence, this variant is classified as Likely Pathogenic.

Blueprint Genetics
Classification: Likely pathogenic for ACADVL-related disorders. Last evaluated: 2024-05-29. Review status: criteria provided, single submitter. Criteria: ACMG Guidelines, 2015. Collection method: clinical testing. Allele origin: germline. Affected: yes. Observed: 1 variant allele. Not counted in ClinVar's aggregate classification.

Fulgent Genetics
Classification: Likely pathogenic for Very long chain acyl-CoA dehydrogenase deficiency. Last evaluated: 2024-02-13. Review status: criteria provided, single submitter. Criteria: ACMG Guidelines, 2015. Collection method: clinical testing. Allele origin: germline. Not counted in ClinVar's aggregate classification.

Revvity Omics, Revvity
Classification: Likely pathogenic for Very long chain acyl-CoA dehydrogenase deficiency. Last evaluated: 2022-12-07. Review status: criteria provided, single submitter. Criteria: ACMG Guidelines, 2015. Collection method: clinical testing. Allele origin: germline. Not counted in ClinVar's aggregate classification.

Baylor Genetics
Classification: Likely pathogenic for Very long chain acyl-CoA dehydrogenase deficiency. Last evaluated: 2022-05-25. Review status: criteria provided, single submitter. Criteria: ACMG Guidelines, 2015. Collection method: clinical testing. Allele origin: unknown. Not counted in ClinVar's aggregate classification.

Wong Mito Lab, Molecular and Human Genetics, Baylor College of Medicine
Classification: Pathogenic for Very long chain acyl-CoA dehydrogenase deficiency. Last evaluated: 2019-11-01. Review status: criteria provided, single submitter. Criteria: ACMG Guidelines, 2015. Collection method: clinical testing. Allele origin: germline. Not counted in ClinVar's aggregate classification.
Comment: The NM_000018.3:c.105_109dupTGCCC (NP_000009.1:p.Arg37LeufsTer26) [GRCH38: NC_000017.11:g.7220164_7220168dupTGCCC] variant in ACADVL gene is interpretated to be Pathogenic based on ACMG guidelines (PMID: 25741868). This variant has been reported. This variant meets the following evidence codes reported in the ACMG guidelines: PVS1, PS3

Counsyl
Classification: Likely pathogenic for Very long chain acyl-CoA dehydrogenase deficiency. Last evaluated: 2017-02-08. Review status: no assertion criteria provided. Collection method: clinical testing. Allele origin: unknown. Not counted in ClinVar's aggregate classification.

Literature cited by the submitters: PubMed 9973285 (cited by Labcorp Genetics (formerly Invitae), Labcorp); PubMed 11590124 (cited by Labcorp Genetics (formerly Invitae), Labcorp); PubMed 26385305 (cited by Labcorp Genetics (formerly Invitae), Labcorp and Counsyl).

NM_000018.4(ACADVL):c.105_109dup (p.Arg37fs)

Genes: ACADVL (acyl-CoA dehydrogenase very long chain; plus strand), LOC130060113 (ATAC-STARR-seq lymphoblastoid silent region 8088; plus strand). Cytogenetic location: 17p13.1.
Variant type: Duplication.
Coding change: c.105_109dup on transcript NM_000018.4 (MANE Select); coding-DNA positions 105 to 109, 5 bases duplicated (TGCCC; older notation c.105_109dupTGCCC).
Protein change: p.Arg37fs; shifts the reading frame from arginine 37.
Molecular consequence: frameshift variant. On other transcripts: 5 prime UTR variant (1).
Genome position (GRCh38, 1-based): chr17:7,220,164-7,220,168, TGCCC duplicated; duplicating any 5 consecutive bases within chr17:7,220,160-7,220,168 gives the same sequence; the c. name uses the placement nearest the transcript's 3' end. VCF-style (leftmost placement, unchanged base first): chr17-7220159-G-GGCCCT. GRCh37 (hg19) VCF-style: chr17-7123478-G-GGCCCT.
Other names: NM_000018.4(ACADVL):c.105_109dup; p.Arg37fs; c.105_109dup, p.Arg37fs (NM_001033859.3); c.174_178dup, p.Arg60fs (NM_001270447.2); c.-124_-120dup (NM_001270448.2); c.105_109dupTGCCC (NM_000018.3); short protein forms R37fs, R60fs.
Identifiers: ClinVar variation 550622 (VCV000550622.23), dbSNP rs1555527532, ClinGen allele CA658824833.